The following is an entry in ClinVar:

NM_006031.6(PCNT):c.5477G>C (p.Gly1826Ala)

Gene: PCNT (pericentrin; plus strand). Cytogenetic location: 21q22.3.
Variant type: single nucleotide variant.
Coding change: c.5477G>C on transcript NM_006031.6 (MANE Select); coding-DNA position 5477, G replaced by C.
Protein change: p.Gly1826Ala; replaces glycine 1826 with alanine.
Molecular consequence: missense variant.
Genome position (GRCh38, 1-based): chr21:46,411,550, G>C. VCF-style: chr21-46411550-G-C. GRCh37 (hg19) VCF-style: chr21-47831464-G-C.
Other names: c.5123G>C, p.Gly1708Ala (NM_001315529.2); short protein forms G1826A, G1708A.
Identifiers: ClinVar variation 340501 (VCV000340501.12), dbSNP rs199847432, ClinGen allele CA10079993.

ClinVar aggregate classification (germline): Conflicting classifications of pathogenicity. Review status: criteria provided, conflicting classifications (1 of 4 stars). 4 submissions from 4 submitters: Uncertain significance (2); Likely benign (2). Last evaluated 2026-08-22.

Conditions:
Microcephalic osteodysplastic primordial dwarfism type II (MOPD2). Also called: OSTEODYSPLASTIC PRIMORDIAL DWARFISM, TYPE II; Microcephalic osteodysplastic primordial dwarfism with tooth abnormalities; MOPD II. Identifiers: Orphanet 2637, MedGen C0432246, MONDO:0008872, OMIM 210720.
PCNT-related disorder. Also called: PCNT-related condition.

Allele frequency attached by ClinVar (database versions not stated): gnomAD 0.00009 and 0.00011; gnomAD exomes 0.00012 and 0.00020; ExAC 0.00013; TOPMed 0.00014; 1000 Genomes Project 30x 0.00016; 1000 Genomes Project 0.00020; ESP Exome Variant Server 0.00031.
gnomAD v4.1: 303 of 1,612,220 alleles (0.019%); highest among the groups gnomAD compares: Non-Finnish European, 0.025%; 1 homozygote.

Submissions (4):

PreventionGenetics, part of Exact Sciences
Classification: Uncertain significance for PCNT-related condition. Last evaluated: 2026-08-22. Review status: criteria provided, single submitter. Criteria: ACMG Guidelines, 2015. Collection method: clinical testing. Allele origin: germline.
Comment: The PCNT c.5477G>C variant is predicted to result in the amino acid substitution p.Gly1826Ala. To our knowledge, this variant has not been reported in the literature. This variant is reported in 0.025% of alleles in individuals of European (Non-Finnish) descent in gnomAD, including one homozygous individual, which may be too common to be causative. Although we suspect that this variant may be benign, at this time, the clinical significance of this variant is uncertain due to the absence of conclusive functional and genetic evidence.

Labcorp Genetics (formerly Invitae), Labcorp
Classification: Likely benign. Last evaluated: 2024-06-05. Review status: criteria provided, single submitter. Criteria: Invitae Variant Classification Sherloc (09022015). Collection method: clinical testing. Allele origin: germline.

Illumina Laboratory Services, Illumina
Classification: Uncertain significance for Microcephalic osteodysplastic primordial dwarfism type II. Last evaluated: 2018-01-13. Review status: criteria provided, single submitter. Criteria: ICSL Variant Classification Criteria 13 December 2019. Collection method: clinical testing. Allele origin: germline.

GeneDx
Classification: Likely benign. Last evaluated: 2017-11-22. Review status: criteria provided, single submitter. Criteria: GeneDx Variant Classification (06012015). Collection method: clinical testing. Allele origin: germline. Affected: yes.
Comment: This variant is considered likely benign or benign based on one or more of the following criteria: it is a conservative change, it occurs at a poorly conserved position in the protein, it is predicted to be benign by multiple in silico algorithms, and/or has population frequency not consistent with disease.